The following is an entry in ClinVar:

ClinVar aggregate classification (germline): Pathogenic (1 of 4 stars; one submission).

Conditions:
Inborn genetic diseases. Identifiers: MedGen C0950123, MeSH D030342.

Submission:

Ambry Genetics
Classification: Pathogenic for Inborn genetic diseases. Last evaluated: 2018-01-31. Review status: criteria provided, single submitter. Criteria: Ambry Variant Classification Scheme 2023. Collection method: clinical testing. Allele origin: germline.
Comment: The p.G1526* pathogenic mutation (also known as c.4576G>T), located in coding exon 40 of the BRWD3 gene, results from a G to T substitution at nucleotide position 4576. This changes the amino acid from a glycine to a stop codon within coding exon 40. This alteration is expected to result in loss of function by premature protein truncation or nonsense-mediated mRNA decay. As such, this alteration is interpreted as a disease-causing mutation.

NM_153252.5(BRWD3):c.4576G>T (p.Gly1526Ter)

Gene: BRWD3 (bromodomain and WD repeat domain containing 3; minus strand). Cytogenetic location: Xq21.1.
Variant type: single nucleotide variant.
Coding change: c.4576G>T on transcript NM_153252.5 (MANE Select); coding-DNA position 4576, G replaced by T.
Protein change: p.Gly1526Ter; replaces glycine 1526 with a stop codon.
Molecular consequence: nonsense.
Genome position (GRCh38, 1-based): chrX:80,681,419, C>A on the plus strand (G>T on the coding strand, the complement: BRWD3 is on the minus strand). VCF-style: chrX-80681419-C-A. GRCh37 (hg19) VCF-style: chrX-79936918-C-A.
Other names: short protein forms G1526*.
Identifiers: ClinVar variation 1741595 (VCV001741595.2), dbSNP rs2520208301, ClinGen allele CA413607473.